The following is an entry in ClinVar:

NM_001172303.3(MASTL):c.1858C>G (p.Pro620Ala)

Gene: MASTL (microtubule associated serine/threonine kinase like; plus strand). Cytogenetic location: 10p12.1.
Variant type: single nucleotide variant.
Coding change: c.1858C>G on transcript NM_001172303.3 (MANE Select); coding-DNA position 1858, C replaced by G.
Protein change: p.Pro620Ala; replaces proline 620 with alanine.
Molecular consequence: missense variant. On other transcripts: non-coding transcript variant (1).
Genome position (GRCh38, 1-based): chr10:27,170,817, C>G. VCF-style: chr10-27170817-C-G. GRCh37 (hg19) VCF-style: chr10-27459746-C-G.
Other names: c.1858C>G, p.Pro620Ala (NM_001172304.3, NM_001320756.2, NM_001320757.2 and 1 more transcripts); c.1375C>G, p.Pro459Ala (NM_001372029.1, NM_001372030.1); short protein forms P620A, P459A.
Identifiers: ClinVar variation 262116 (VCV000262116.11), dbSNP rs3802526, ClinGen allele CA5450294.

ClinVar aggregate classification (germline): Benign/Likely benign. Review status: criteria provided, multiple submitters, no conflicts (2 of 4 stars). 6 submissions from 6 submitters: Benign (5); Likely benign (1). Last evaluated 2024-11-27.

Conditions:
Thrombocytopenia. Identifiers: MedGen C0040034, MeSH D013921, MONDO:0002049, HP:0001873.

Allele frequency attached by ClinVar (database versions not stated): ESP Exome Variant Server 0.06228; TOPMed 0.06893; gnomAD 0.06970 and 0.07369; ExAC 0.08425; 1000 Genomes Project 30x 0.10400; 1000 Genomes Project 0.11042.
gnomAD v4.1: 105,236 of 1,613,964 alleles (6.5%); highest among the groups gnomAD compares: East Asian, 20%; 4,616 homozygotes.

Submissions (6):

Blueprint Genetics
Classification: Likely benign. Last evaluated: 2024-11-27. Review status: criteria provided, single submitter. Criteria: ACMG Guidelines, 2015. Collection method: clinical testing. Allele origin: germline.

Mayo Clinic Laboratories, Mayo Clinic
Classification: Benign. Last evaluated: 2023-06-26. Review status: criteria provided, single submitter. Criteria: ACMG Guidelines, 2015. Collection method: clinical testing. Allele origin: germline. Observed: 160 variant alleles.

GeneDx
Classification: Benign. Last evaluated: 2020-08-27. Review status: criteria provided, single submitter. Criteria: GeneDx Variant Classification Process June 2021. Collection method: clinical testing. Allele origin: germline. Affected: yes.

Illumina Laboratory Services, Illumina
Classification: Benign for Thrombocytopenia. Last evaluated: 2018-01-12. Review status: criteria provided, single submitter. Criteria: ICSL Variant Classification Criteria 13 December 2019. Collection method: clinical testing. Allele origin: germline.
Comment: This variant was observed in the ICSL laboratory as part of a predisposition screen in an ostensibly healthy population. It had not been previously curated by ICSL or reported in the Human Gene Mutation Database (HGMD: prior to June 1st, 2018), and was therefore a candidate for classification through an automated scoring system. Utilizing variant allele frequency, disease prevalence and penetrance estimates, and inheritance mode, an automated score was calculated to assess if this variant is too frequent to cause the disease. Based on the score and internal cut-off values, a variant classified as benign is not then subjected to further curation. The score for this variant resulted in a classification of benign for this disease.

Breakthrough Genomics
Classification: Benign. Review status: criteria provided, single submitter. Criteria: ACMG Guidelines, 2015. Collection method: not provided. Allele origin: germline. Inheritance: Unknown mechanism. Affected: yes.

PreventionGenetics, part of Exact Sciences
Classification: Benign. Review status: criteria provided, single submitter. Criteria: ACMG Guidelines, 2015. Collection method: clinical testing. Allele origin: germline.